The following is an entry in ClinVar:

ClinVar aggregate classification (germline): Benign/Likely benign. Review status: criteria provided, multiple submitters, no conflicts (2 of 4 stars). 3 submissions from 3 submitters: Benign (1); Likely benign (2). Last evaluated 2026-01-09.

Conditions:
Methylmalonic aciduria and homocystinuria type cblF. Also called: METHYLMALONIC ACIDEMIA AND HOMOCYSTINURIA, cblF TYPE; METHYLMALONIC ACIDURIA DUE TO VITAMIN B12-RELEASE DEFECT; VITAMIN B12 LYSOSOMAL RELEASE DEFECT; VITAMIN B12 STORAGE DISEASE; COBALAMIN F DISEASE; COBALAMIN, DEFECT IN LYSOSOMAL RELEASE OF. Identifiers: Orphanet 79284, MedGen C1848578, MONDO:0010183, OMIM 277380.

Allele frequency attached by ClinVar (database versions not stated): ESP Exome Variant Server 0.00008; TOPMed 0.00015; gnomAD 0.00022; gnomAD exomes 0.00025; ExAC 0.00026; 1000 Genomes Project 0.00060; 1000 Genomes Project 30x 0.00078.
gnomAD v4.1: 87 of 1,608,778 alleles (0.0054%); highest among the groups gnomAD compares: East Asian, 0.16%; no homozygotes.

Submissions (3):

Labcorp Genetics (formerly Invitae), Labcorp
Classification: Benign for Methylmalonic aciduria and homocystinuria type cblF. Last evaluated: 2026-01-09. Review status: criteria provided, single submitter. Criteria: Invitae Variant Classification Sherloc (09022015). Collection method: clinical testing. Allele origin: germline.

Blueprint Genetics
Classification: Likely benign. Last evaluated: 2024-10-23. Review status: criteria provided, single submitter. Criteria: ACMG Guidelines, 2015. Collection method: clinical testing. Allele origin: germline.

GeneDx
Classification: Likely benign. Last evaluated: 2016-11-18. Review status: criteria provided, single submitter. Criteria: GeneDx Variant Classification (06012015). Collection method: clinical testing. Allele origin: germline. Affected: yes.
Comment: This variant is considered likely benign or benign based on one or more of the following criteria: it is a conservative change, it occurs at a poorly conserved position in the protein, it is predicted to be benign by multiple in silico algorithms, and/or has population frequency not consistent with disease.

NM_018368.4(LMBRD1):c.1510-17C>T

Gene: LMBRD1 (LMBR1 domain containing 1; minus strand). Cytogenetic location: 6q13.
Variant type: single nucleotide variant.
Coding change: c.1510-17C>T on transcript NM_018368.4 (MANE Select); 17 bases into the intron before coding-DNA position 1510, C replaced by T.
Molecular consequence: intron variant.
Genome position (GRCh38, 1-based): chr6:69,676,288, G>A on the plus strand (C>T on the coding strand, the complement: LMBRD1 is on the minus strand). VCF-style: chr6-69676288-G-A. GRCh37 (hg19) VCF-style: chr6-70386180-G-A.
Other names: c.1291-17C>T (NM_001367272.1, NM_001367271.1, NM_001363722.2).
Identifiers: ClinVar variation 389401 (VCV000389401.10), dbSNP rs149064101, ClinGen allele CA3879523.